The following is an entry in ClinVar:

NM_020066.5(FMN2):c.3357C>T (p.Pro1119=)

Gene: FMN2 (formin 2; plus strand). Cytogenetic location: 1q43.
Variant type: single nucleotide variant.
Coding change: c.3357C>T on transcript NM_020066.5 (MANE Select); coding-DNA position 3357, C replaced by T.
Protein change: p.Pro1119=; no amino-acid change (proline 1119 retained).
Molecular consequence: synonymous variant. On other transcripts: intron variant (1).
Genome position (GRCh38, 1-based): chr1:240,208,169, C>T. VCF-style: chr1-240208169-C-T. GRCh37 (hg19) VCF-style: chr1-240371469-C-T.
Other names: c.3369C>T, p.Pro1123= (NM_001305424.2); c.1986+19907C>T (NM_001348094.2).
Identifiers: ClinVar variation 3048780 (VCV003048780.2), dbSNP rs199920451, ClinGen allele CA1477123.

ClinVar aggregate classification (germline): Likely benign (0 of 4 stars; one submission).

Conditions:
FMN2-related disorder. Also called: FMN2-related condition.

Allele frequency attached by ClinVar (database versions not stated): gnomAD 0.00002; ExAC 0.00019.

Submission:

PreventionGenetics, part of Exact Sciences
Classification: Likely benign for FMN2-related condition. Last evaluated: 2021-04-21. Review status: no assertion criteria provided. Collection method: clinical testing. Allele origin: germline.
Comment: This variant is classified as likely benign based on ACMG/AMP sequence variant interpretation guidelines (Richards et al. 2015 PMID: 25741868, with internal and published modifications).